The following is an entry in ClinVar:

NM_001081.4(CUBN):c.10838G>A (p.Arg3613His)

Gene: CUBN (cubilin; minus strand). Cytogenetic location: 10p13.
Variant type: single nucleotide variant.
Coding change: c.10838G>A on transcript NM_001081.4 (MANE Select); coding-DNA position 10838, G replaced by A.
Protein change: p.Arg3613His; replaces arginine 3613 with histidine.
Molecular consequence: missense variant.
Genome position (GRCh38, 1-based): chr10:16,825,009, C>T on the plus strand (G>A on the coding strand, the complement: CUBN is on the minus strand). VCF-style: chr10-16825009-C-T. GRCh37 (hg19) VCF-style: chr10-16867008-C-T.
Other names: short protein forms R3613H.
Identifiers: ClinVar variation 1021317 (VCV001021317.6), dbSNP rs148626202, ClinGen allele CA5422274.

ClinVar aggregate classification (germline): Uncertain significance. Review status: criteria provided, multiple submitters, no conflicts (2 of 4 stars). 2 submissions from 2 submitters: Uncertain significance (2). Last evaluated 2022-02-20.

Conditions:
Proteinuria, chronic benign. Identifiers: MedGen C5394384, MONDO:0030042, OMIM 618884.
Imerslund-Grasbeck syndrome type 1 (IGS1). Also called: Megaloblastic anemia 1, Finnish type; Imerslund-Gräsbeck syndrome 1; MEGALOBLASTIC ANEMIA, 1. Identifiers: MedGen C4016819, MONDO:0100156, OMIM 261100.
Imerslund-Grasbeck syndrome. Also called: Imerslund-Gräsbeck syndrome; ENTEROCYTE COBALAMIN MALABSORPTION; ENTEROCYTE INTRINSIC FACTOR RECEPTOR, DEFECT OF; PERNICIOUS ANEMIA, JUVENILE, DUE TO SELECTIVE INTESTINAL MALABSORPTION OF VITAMIN B12, WITH PROTEINURIA; Megaloblastic anemia due to inborn errors of metabolism. Identifiers: Orphanet 35858, MedGen C4551825, MONDO:0009853.

Allele frequency attached by ClinVar (database versions not stated): ESP Exome Variant Server 0.00015; TOPMed 0.00009; gnomAD exomes 0.00006; ExAC 0.00007; gnomAD 0.00008.
gnomAD v4.1: 98 of 1,613,634 alleles (0.0061%); highest among the groups gnomAD compares: African/African-American, 0.02%; no homozygotes.

Submissions (2):

Labcorp Genetics (formerly Invitae), Labcorp
Classification: Uncertain significance for Imerslund-Grasbeck syndrome. Last evaluated: 2022-02-20. Review status: criteria provided, single submitter. Criteria: Invitae Variant Classification Sherloc (09022015). Collection method: clinical testing. Allele origin: germline.
Comment: In summary, the available evidence is currently insufficient to determine the role of this variant in disease. Therefore, it has been classified as a Variant of Uncertain Significance. Algorithms developed to predict the effect of missense changes on protein structure and function output the following: SIFT: "Tolerated"; PolyPhen-2: "Benign"; Align-GVGD: "Class C0". The histidine amino acid residue is found in multiple mammalian species, which suggests that this missense change does not adversely affect protein function. ClinVar contains an entry for this variant (Variation ID: 1021317). This variant has not been reported in the literature in individuals affected with CUBN-related conditions. This variant is present in population databases (rs148626202, gnomAD 0.01%). This sequence change replaces arginine, which is basic and polar, with histidine, which is basic and polar, at codon 3613 of the CUBN protein (p.Arg3613His).

Fulgent Genetics
Classification: Uncertain significance for Imerslund-Grasbeck syndrome type 1; Proteinuria, chronic benign. Last evaluated: 2022-02-04. Review status: criteria provided, single submitter. Criteria: ACMG Guidelines, 2015. Collection method: clinical testing. Allele origin: unknown.